The following is an entry in ClinVar:

NM_002025.4(AFF2):c.1181A>G (p.Gln394Arg)

Gene: AFF2 (ALF transcription elongation factor 2; plus strand). Cytogenetic location: Xq28.
Variant type: single nucleotide variant.
Coding change: c.1181A>G on transcript NM_002025.4 (MANE Select); coding-DNA position 1181, A replaced by G.
Protein change: p.Gln394Arg; replaces glutamine 394 with arginine.
Molecular consequence: missense variant.
Genome position (GRCh38, 1-based): chrX:148,842,973, A>G. VCF-style: chrX-148842973-A-G. GRCh37 (hg19) VCF-style: chrX-147924497-A-G.
Other names: c.1082A>G, p.Gln361Arg (NM_001169122.2, NM_001169125.2); c.1169A>G, p.Gln390Arg (NM_001169123.2); c.1094A>G, p.Gln365Arg (NM_001169124.2); c.104A>G, p.Gln35Arg (NM_001170628.1); short protein forms Q35R, Q361R, Q365R, Q390R, Q394R.
Identifiers: ClinVar variation 3361308 (VCV003361308.1).
Genomic context (GRCh38, chrX:148,842,973, plus strand): 5'-CTCTCCTTGTGTCATTTAACTAATGTTTGTGTCATATATATTATTCCTTATAGGAATCGC[A>G]GCATCTGACCCCAGGATTCACCTTACAAAGTAAGTGGTTTTGAAAATCCTTCTTAGTCCA-3'
Protein context (NP_002016.2, residues 384-404): STFSIPGQES[Gln394Arg]HLTPGFTLQK

ClinVar aggregate classification (germline): Uncertain significance (1 of 4 stars; one submission).

Submission:

GeneDx
Classification: Uncertain significance. Last evaluated: 2023-07-26. Review status: criteria provided, single submitter. Criteria: GeneDx Variant Classification Process June 2021. Collection method: clinical testing. Allele origin: germline. Affected: yes.
Comment: Not observed at significant frequency in large population cohorts (gnomAD); In silico analysis supports that this missense variant has a deleterious effect on protein structure/function; Has not been previously published as pathogenic or benign to our knowledge